The following is an entry in ClinVar:

ClinVar aggregate classification (germline): Uncertain significance (1 of 4 stars; one submission).

Allele frequency attached by ClinVar (database versions not stated): TOPMed below 0.00001.
gnomAD v4.1: 2 of 1,607,494 alleles (0.00012%); highest among the groups gnomAD compares: Non-Finnish European, 0.00017%; no homozygotes.

Submission:

Labcorp Genetics (formerly Invitae), Labcorp
Classification: Uncertain significance. Last evaluated: 2022-02-04. Review status: criteria provided, single submitter. Criteria: Invitae Variant Classification Sherloc (09022015). Collection method: clinical testing. Allele origin: germline.
Comment: This sequence change replaces aspartic acid, which is acidic and polar, with asparagine, which is neutral and polar, at codon 286 of the RDH11 protein (p.Asp286Asn). This variant is not present in population databases (gnomAD no frequency). This variant has not been reported in the literature in individuals affected with RDH11-related conditions. ClinVar contains an entry for this variant (Variation ID: 972646). Algorithms developed to predict the effect of missense changes on protein structure and function (SIFT, PolyPhen-2, Align-GVGD) all suggest that this variant is likely to be tolerated. In summary, the available evidence is currently insufficient to determine the role of this variant in disease. Therefore, it has been classified as a Variant of Uncertain Significance.

NM_016026.4(RDH11):c.856G>A (p.Asp286Asn)

Genes: GPHN (gephyrin; plus strand), RDH11 (retinol dehydrogenase 11; minus strand). Cytogenetic location: 14q24.1.
Variant type: single nucleotide variant.
Coding change: c.856G>A on transcript NM_016026.4 (MANE Select); coding-DNA position 856, G replaced by A.
Protein change: p.Asp286Asn; replaces aspartic acid 286 with asparagine.
Molecular consequence: missense variant.
Genome position (GRCh38, 1-based): chr14:67,678,422, C>T on the plus strand (G>A on the coding strand, the complement: RDH11 is on the minus strand). VCF-style: chr14-67678422-C-T. GRCh37 (hg19) VCF-style: chr14-68145139-C-T.
Other names: c.646G>A, p.Asp216Asn (NM_001252650.2); short protein forms D216N, D286N.
Identifiers: ClinVar variation 972646 (VCV000972646.10), dbSNP rs2037571678, ClinGen allele CA390128776.